The following is an entry in ClinVar:

NM_000540.3(RYR1):c.1661A>G (p.Glu554Gly)

Gene: RYR1 (ryanodine receptor 1; plus strand). Cytogenetic location: 19q13.2.
Variant type: single nucleotide variant.
Coding change: c.1661A>G on transcript NM_000540.3 (MANE Select); coding-DNA position 1661, A replaced by G.
Protein change: p.Glu554Gly; replaces glutamic acid 554 with glycine.
Molecular consequence: missense variant.
Genome position (GRCh38, 1-based): chr19:38,455,535, A>G. VCF-style: chr19-38455535-A-G. GRCh37 (hg19) VCF-style: chr19-38946175-A-G.
Other names: c.1661A>G, p.Glu554Gly (NM_001042723.2); short protein forms E554G.
Identifiers: ClinVar variation 224367 (VCV000224367.1), dbSNP rs760285455, ClinGen allele CA062249.
Genomic context (GRCh38, chr19:38,455,535, plus strand): 5'-GCAACTGTGCCCTCTTCTCCACAAACTTGGACTGGCTGGTCAGCAAGCTGGATCGGCTGG[A>G]GGCCTCGTCTGGTAGGAGAACCCGGGGGAGTGGGACAGAGGCTTGTGGGAGGGGATGGGC-3'
Protein context (NP_000531.2, residues 544-564): DWLVSKLDRL[Glu554Gly]ASSGILEVLY

ClinVar aggregate classification (germline): Uncertain significance (1 of 4 stars; one submission).

Conditions:
Malignant hyperthermia, susceptibility to, 1 (MHS1). Also called: Malignant hyperthermia suceptibility 1; RYR1-Related Malignant Hyperthermia Susceptibility; Anesthesia related hyperthermia; Malignant hyperpyrexia; Fulminating hyperpyrexia; Pharmacogenic myopathy. Identifiers: Orphanet 423, MedGen C2930980, MONDO:0007783, OMIM 145600.

Allele frequency attached by ClinVar (database versions not stated): gnomAD exomes 0.00008; ExAC 0.00032.

Submission:

Biesecker Lab/Clinical Genomics Section, National Institutes of Health
Classification: Uncertain significance for Malignant hyperthermia, susceptibility to, 1. Last evaluated: 2013-07-01. Review status: criteria provided, single submitter. Criteria: Gonsalves et al. 2013. Collection method: research. Allele origin: unknown. Observed: 3 variant alleles. Study: ClinSeq.
Comment: The study set was not selected for affection status in relation to any myopathy. Pathogenicity categories were based on literature curation. See Pubmed ID: 24195946 for details.